The following is an entry in ClinVar:

NM_005629.4(SLC6A8):c.43G>A (p.Gly15Ser)

Gene: SLC6A8 (solute carrier family 6 member 8; plus strand). Cytogenetic location: Xq28.
Variant type: single nucleotide variant.
Coding change: c.43G>A on transcript NM_005629.4 (MANE Select); coding-DNA position 43, G replaced by A.
Protein change: p.Gly15Ser; replaces glycine 15 with serine.
Molecular consequence: missense variant.
Genome position (GRCh38, 1-based): chrX:153,688,617, G>A. VCF-style: chrX-153688617-G-A. GRCh37 (hg19) VCF-style: chrX-152954072-G-A.
Other names: c.43G>A, p.Gly15Ser (NM_001142805.2); short protein forms G15S.
Identifiers: ClinVar variation 4529665 (VCV004529665.1).

ClinVar aggregate classification (germline): Uncertain significance (1 of 4 stars; one submission).

Submission:

GeneDx
Classification: Uncertain significance. Last evaluated: 2025-05-13. Review status: criteria provided, single submitter. Criteria: GeneDx Variant Classification Process June 2021. Collection method: clinical testing. Allele origin: germline. Affected: yes.
Comment: Not observed at significant frequency in large population cohorts (gnomAD); In silico analysis suggests that this missense variant does not alter protein structure/function; Has not been previously published as pathogenic or benign to our knowledge